The following is an entry in ClinVar:

ClinVar aggregate classification (germline): Uncertain significance (1 of 4 stars; one submission).

Conditions:
Inborn genetic diseases. Identifiers: MedGen C0950123, MeSH D030342.

Submission:

Ambry Genetics
Classification: Uncertain significance for Inborn genetic diseases. Last evaluated: 2025-02-09. Review status: criteria provided, single submitter. Criteria: Ambry Variant Classification Scheme 2023. Collection method: clinical testing. Allele origin: germline.
Comment: The p.V539L variant (also known as c.1615G>T), located in coding exon 11 of the ERCC6L2 gene, results from a G to T substitution at nucleotide position 1615. The valine at codon 539 is replaced by leucine, an amino acid with highly similar properties. This amino acid position is conserved. In addition, this alteration is predicted to be tolerated by in silico analysis. Based on the available evidence, the clinical significance of this variant remains unclear.

NM_020207.7(ERCC6L2):c.1615G>T (p.Val539Leu)

Gene: ERCC6L2 (ERCC excision repair 6 like 2; plus strand). Cytogenetic location: 9q22.32.
Variant type: single nucleotide variant.
Coding change: c.1615G>T on transcript NM_020207.7 (MANE Select); coding-DNA position 1615, G replaced by T.
Protein change: p.Val539Leu; replaces valine 539 with leucine.
Molecular consequence: missense variant. On other transcripts: non-coding transcript variant (1).
Genome position (GRCh38, 1-based): chr9:95,928,728, G>T. VCF-style: chr9-95928728-G-T. GRCh37 (hg19) VCF-style: chr9-98691010-G-T.
Other names: c.1615G>T, p.Val539Leu (NM_001010895.4, NM_001375291.1, NM_001375292.1 and 2 more transcripts); short protein forms V539L.
Identifiers: ClinVar variation 3845924 (VCV003845924.1).